The following is an entry in ClinVar:

ClinVar aggregate classification (germline): Uncertain significance. Review status: criteria provided, multiple submitters, no conflicts (2 of 4 stars). 9 submissions from 9 submitters: Uncertain significance (9). Last evaluated 2026-02-26.

Conditions:
Lymphatic malformation 6 (LMPHM6). Also called: GENERALIZED LYMPHATIC DYSPLASIA OF FOTIOU; Lymphedema, hereditary, III; PIEZO1-related generalized lymphatic dysplasia with non-immune hydrops fetalis. Identifiers: Orphanet 568062, MedGen C4225184, MONDO:0014797, OMIM 616843.
Dehydrated hereditary stomatocytosis with or without pseudohyperkalemia and/or perinatal edema (DHS1). Also called: Dehydrated hereditary stomatocytosis 1 with or without pseudohyperkalemia and/or perinatal edema; PSEUDOHYPERKALEMIA EDINBURGH; DEHYDRATED HEREDITARY STOMATOCYTOSIS AND PSEUDOHYPERKALEMIA; DEHYDRATED HEREDITARY STOMATOCYTOSIS WITH PSEUDOHYPERKALEMIA AND PERINATAL EDEMA; Pseudohyperkalemia, familial, 1, due to red cell leak. Identifiers: Orphanet 3202, MedGen C4551512, MONDO:0008689, OMIM 194380.
PIEZO1-related disorder. Also called: PIEZO1-related condition; PIEZO1-Related Disorders.

Allele frequency attached by ClinVar (database versions not stated): ExAC 0.00012.

Submissions (9):

Clinical Genomics Laboratory, Washington University in St. Louis
Classification: Uncertain significance for Lymphatic malformation 6. Last evaluated: 2026-02-26. Review status: criteria provided, single submitter. Criteria: ACMG Guidelines, 2015. Collection method: clinical testing. Allele origin: germline.
Comment: A PIEZO1 c.4556A>C (p.Gln1519Pro) variant was identified at a near heterozygous allelic fraction of 46.8%, a frequency that may be consistent with germline origin. This variant has been reported in the literature in a patient with hereditary xerocytosis (Picard V t al., PMID: 30655378). It has been reported in the ClinVar database as a germline variant of uncertain significance by seven submitters (ClinVar Variation ID: 2428551). It is observed on 893/1,545,194 alleles in the general population (gnomAD v4.1.0). Computational predictors are uncertain as to the impact of this variant on PIEZO1 function. Due to limited information, and based on ACMG/AMP guidelines for variant interpretation (Richards S et al., PMID: 25741868), the clinical significance of this variant is uncertain at this time.

CeGaT Center for Human Genetics Tuebingen
Classification: Uncertain significance. Last evaluated: 2026-02-01. Review status: criteria provided, single submitter. Criteria: CeGaT Center For Human Genetics Tuebingen Variant Classification Criteria Version 2. Collection method: clinical testing. Allele origin: germline. Affected: yes. Observed: 2 variant alleles.
Comment: PIEZO1: PM2:Supporting

PreventionGenetics, part of Exact Sciences
Classification: Uncertain significance for PIEZO1-related condition. Last evaluated: 2025-06-02. Review status: criteria provided, single submitter. Criteria: ACMG Guidelines, 2015. Collection method: clinical testing. Allele origin: germline.
Comment: The PIEZO1 c.4556A>C variant is predicted to result in the amino acid substitution p.Gln1519Pro. The c.4556A>C variant, in addition to another PIEZO1 variant, was identified in a patient with hereditary xerocytosis; however, the c.4556A>C variant was interpreted as a variant of uncertain significance (Picard et al. 2019. PubMed ID: 30655378). This variant is reported in 0.072% of alleles in individuals of European (Non-Finnish) descent in gnomAD. Although we suspect that this variant may be benign, at this time, the clinical significance of this variant is uncertain due to the absence of conclusive functional and genetic evidence.

Center for Genomic Medicine, Rigshospitalet, Copenhagen University Hospital
Classification: Uncertain significance. Last evaluated: 2025-03-04. Review status: criteria provided, single submitter. Criteria: ACMG Guidelines, 2015. Collection method: clinical testing. Allele origin: germline.

Revvity Omics, Revvity
Classification: Uncertain significance. Last evaluated: 2024-04-29. Review status: criteria provided, single submitter. Criteria: ACMG Guidelines, 2015. Collection method: clinical testing. Allele origin: germline.

Mayo Clinic Laboratories, Mayo Clinic
Classification: Uncertain significance. Last evaluated: 2024-01-25. Review status: criteria provided, single submitter. Criteria: ACMG Guidelines, 2015. Collection method: clinical testing. Allele origin: germline. Observed: 1 variant allele.
Comment: BP4

Baylor Genetics
Classification: Uncertain significance for Lymphatic malformation 6. Last evaluated: 2023-06-05. Review status: criteria provided, single submitter. Criteria: ACMG Guidelines, 2015. Collection method: clinical testing. Allele origin: unknown.

ARUP Laboratories, Molecular Genetics and Genomics, ARUP Laboratories
Classification: Uncertain significance. Last evaluated: 2022-06-30. Review status: criteria provided, single submitter. Criteria: ARUP Molecular Germline Variant Investigation Process 2021. Collection method: clinical testing. Allele origin: germline.
Comment: The PIEZO1 c.4556A>C; p.Gln1519Pro variant (rs767365106) is reported in the literature in individuals affected with hereditary xerocytosis (Picard 2019) or hydrops fetalis (Al-Kouatly 2021), but without clear association with disease. This variant is found in the general population with an overall allele frequency of 0.037% (67/181532 alleles) in the Genome Aggregation Database. The glutamine at codon 1519 is weakly conserved, and computational analyses are uncertain whether this variant is neutral or deleterious (REVEL: 0.560). Due to limited information, the clinical significance of this variant is uncertain at this time. References: Al-Kouatly HB et al. High diagnosis rate for nonimmune hydrops fetalis with prenatal clinical exome from the Hydrops-Yielding Diagnostic Results of Prenatal Sequencing (HYDROPS) Study. Genet Med. 2021 Jul;23(7):1325-1333. PMID: 33686258. Picard V et al. Clinical and biological features in PIEZO1-hereditary xerocytosis and Gardos channelopathy: a retrospective series of 126 patients. Haematologica. 2019 Aug;104(8):1554-1564. PMID: 30655378.

Department of Pathology and Laboratory Medicine, Sinai Health System
Classification: Uncertain significance for Dehydrated hereditary stomatocytosis with or without pseudohyperkalemia and/or perinatal edema; Lymphatic malformation 6. Last evaluated: 2021-07-30. Review status: criteria provided, single submitter. Criteria: ACMG Guidelines, 2015. Collection method: research. Allele origin: germline.

Literature cited by the submitters: PubMed 30655378 (cited by Center for Genomic Medicine, Rigshospitalet, Copenhagen University Hospital); PubMed 33686258 (cited by Center for Genomic Medicine, Rigshospitalet, Copenhagen University Hospital).

NM_001142864.4(PIEZO1):c.4556A>C (p.Gln1519Pro)

Gene: PIEZO1 (piezo type mechanosensitive ion channel component 1 (Er blood group); minus strand). Cytogenetic location: 16q24.3.
Variant type: single nucleotide variant.
Coding change: c.4556A>C on transcript NM_001142864.4 (MANE Select); coding-DNA position 4556, A replaced by C.
Protein change: p.Gln1519Pro; replaces glutamine 1519 with proline.
Molecular consequence: missense variant.
Genome position (GRCh38, 1-based): chr16:88,722,949, T>G on the plus strand (A>C on the coding strand, the complement: PIEZO1 is on the minus strand). VCF-style: chr16-88722949-T-G. GRCh37 (hg19) VCF-style: chr16-88789357-T-G.
Other names: p.Gln1519Pro; c.3098A>C, p.Gln1033Pro (NM_014745.1); c.4556A>C (NM_001142864.3); short protein forms Q1033P, Q1519P.
Identifiers: ClinVar variation 2428551 (VCV002428551.18), dbSNP rs767365106, ClinGen allele CA8232107.